The following is an entry in ClinVar:

NM_152564.5(VPS13B):c.11850A>C (p.Gln3950His)

Gene: VPS13B (vacuolar protein sorting 13 homolog B; plus strand). Cytogenetic location: 8q22.2.
Variant type: single nucleotide variant.
Coding change: c.11850A>C on transcript NM_152564.5 (MANE Select); coding-DNA position 11850, A replaced by C.
Protein change: p.Gln3950His; replaces glutamine 3950 with histidine.
Molecular consequence: missense variant.
Genome position (GRCh38, 1-based): chr8:99,875,522, A>C. VCF-style: chr8-99875522-A-C. GRCh37 (hg19) VCF-style: chr8-100887750-A-C.
Other names: c.11925A>C, p.Gln3975His (NM_017890.5); short protein forms Q3950H, Q3975H.
Identifiers: ClinVar variation 1955123 (VCV001955123.5), dbSNP rs1817658745, ClinGen allele CA371795746.

ClinVar aggregate classification (germline): Uncertain significance (1 of 4 stars; one submission).

Conditions:
Cohen syndrome (COH1). Also called: Cutis verticis gyrata, retinitis pigmentosa, and sensorineural deafness; PEPPER SYNDROME. Identifiers: Orphanet 193, MedGen C0265223, MONDO:0008999, OMIM 216550.

Submission:

Labcorp Genetics (formerly Invitae), Labcorp
Classification: Uncertain significance for Cohen syndrome. Last evaluated: 2022-06-22. Review status: criteria provided, single submitter. Criteria: Invitae Variant Classification Sherloc (09022015). Collection method: clinical testing. Allele origin: germline.
Comment: Algorithms developed to predict the effect of missense changes on protein structure and function are either unavailable or do not agree on the potential impact of this missense change (SIFT: "Not Available"; PolyPhen-2: "Benign"; Align-GVGD: "Not Available"). In summary, the available evidence is currently insufficient to determine the role of this variant in disease. Therefore, it has been classified as a Variant of Uncertain Significance. This sequence change replaces glutamine, which is neutral and polar, with histidine, which is basic and polar, at codon 3975 of the VPS13B protein (p.Gln3975His). This variant is not present in population databases (gnomAD no frequency). This variant has not been reported in the literature in individuals affected with VPS13B-related conditions.